The following is an entry in ClinVar:

NM_004380.3(CREBBP):c.5071A>T (p.Met1691Leu)

Gene: CREBBP (CREB binding protein; minus strand). Cytogenetic location: 16p13.3.
Variant type: single nucleotide variant.
Coding change: c.5071A>T on transcript NM_004380.3 (MANE Select); coding-DNA position 5071, A replaced by T.
Protein change: p.Met1691Leu; replaces methionine 1691 with leucine.
Molecular consequence: missense variant.
Genome position (GRCh38, 1-based): chr16:3,731,293, T>A on the plus strand (A>T on the coding strand, the complement: CREBBP is on the minus strand). VCF-style: chr16-3731293-T-A. GRCh37 (hg19) VCF-style: chr16-3781294-T-A.
Other names: c.4957A>T, p.Met1653Leu (NM_001079846.1); short protein forms M1653L, M1691L.
Identifiers: ClinVar variation 1701899 (VCV001701899.2), dbSNP rs1231818807, ClinGen allele CA394558403.

ClinVar aggregate classification (germline): Uncertain significance. Review status: criteria provided, multiple submitters, no conflicts (2 of 4 stars). 2 submissions from 2 submitters: Uncertain significance (2). Last evaluated 2022-10-14.

Conditions:
Neurodevelopmental disorder. Identifiers: MedGen C1535926, MeSH D065886, MONDO:0700092.

Allele frequency attached by ClinVar (database versions not stated): gnomAD exomes below 0.00001.

Submissions (2):

GeneDx
Classification: Uncertain significance. Last evaluated: 2022-10-14. Review status: criteria provided, single submitter. Criteria: GeneDx Variant Classification Process June 2021. Collection method: clinical testing. Allele origin: germline. Affected: yes.
Comment: Not observed at significant frequency in large population cohorts (gnomAD); In silico analysis supports that this missense variant has a deleterious effect on protein structure/function; Has not been previously published as pathogenic or benign to our knowledge; This variant is associated with the following publications: (PMID: 12070251)

Laboratory of Molecular Genetics (Pr. Bezieau's lab), CHU de Nantes
Classification: Uncertain significance for Neurodevelopmental disorder. Last evaluated: 2022-06-06. Review status: criteria provided, single submitter. Criteria: ACMG Guidelines, 2015. Collection method: clinical testing. Allele origin: germline. Affected: yes.